The following is an entry in ClinVar:

NM_153000.5(APCDD1):c.1103A>T (p.His368Leu)

Gene: APCDD1 (APC down-regulated 1; plus strand). Cytogenetic location: 18p11.22.
Variant type: single nucleotide variant.
Coding change: c.1103A>T on transcript NM_153000.5 (MANE Select); coding-DNA position 1103, A replaced by T.
Protein change: p.His368Leu; replaces histidine 368 with leucine.
Molecular consequence: missense variant.
Genome position (GRCh38, 1-based): chr18:10,487,596, A>T. VCF-style: chr18-10487596-A-T. GRCh37 (hg19) VCF-style: chr18-10487593-A-T.
Other names: short protein forms H368L.
Identifiers: ClinVar variation 1393939 (VCV001393939.6), dbSNP rs2143567669, ClinGen allele CA401905566.

ClinVar aggregate classification (germline): Uncertain significance (1 of 4 stars; one submission).

Allele frequency attached by ClinVar (database versions not stated): gnomAD exomes 0.00001.
gnomAD v4.1: 3 of 1,614,022 alleles (0.00019%); highest among the groups gnomAD compares: Non-Finnish European, 0.00025%; no homozygotes.

Submission:

Labcorp Genetics (formerly Invitae), Labcorp
Classification: Uncertain significance. Last evaluated: 2022-05-19. Review status: criteria provided, single submitter. Criteria: Invitae Variant Classification Sherloc (09022015). Collection method: clinical testing. Allele origin: germline.
Comment: In summary, the available evidence is currently insufficient to determine the role of this variant in disease. Therefore, it has been classified as a Variant of Uncertain Significance. Algorithms developed to predict the effect of missense changes on protein structure and function (SIFT, PolyPhen-2, Align-GVGD) all suggest that this variant is likely to be disruptive. This variant has not been reported in the literature in individuals affected with APCDD1-related conditions. This variant is not present in population databases (gnomAD no frequency). This sequence change replaces histidine, which is basic and polar, with leucine, which is neutral and non-polar, at codon 368 of the APCDD1 protein (p.His368Leu).